The following is an entry in ClinVar:

NM_001982.4(ERBB3):c.2695G>A (p.Val899Met)

Gene: ERBB3 (erb-b2 receptor tyrosine kinase 3; plus strand). Cytogenetic location: 12q13.2.
Variant type: single nucleotide variant.
Coding change: c.2695G>A on transcript NM_001982.4 (MANE Select); coding-DNA position 2695, G replaced by A.
Protein change: p.Val899Met; replaces valine 899 with methionine.
Molecular consequence: missense variant.
Genome position (GRCh38, 1-based): chr12:56,098,761, G>A. VCF-style: chr12-56098761-G-A. GRCh37 (hg19) VCF-style: chr12-56492545-G-A.
Other names: short protein forms V899M.
Identifiers: ClinVar variation 1188815 (VCV001188815.6), dbSNP rs2136822199, ClinGen allele CA385315431.

ClinVar aggregate classification (germline): Likely pathogenic. Review status: criteria provided, single submitter (1 of 4 stars). 2 submissions from 2 submitters: Likely pathogenic (1). 1 of the submissions does not count toward it. Last evaluated 2022-02-21.

Conditions:
Visceral neuropathy, familial, 1, autosomal recessive (VSCN1). Identifiers: Orphanet 99811, MedGen C1855733, MONDO:8000011, OMIM 243180.

Submissions (2):

SIB Swiss Institute of Bioinformatics
Classification: Likely pathogenic for Visceral neuropathy, familial, 1, autosomal recessive. Last evaluated: 2022-02-21. Review status: criteria provided, single submitter. Criteria: ACMG Guidelines, 2015. Collection method: curation. Allele origin: unknown.
Comment: This variant is interpreted as likely pathogenic for Visceral neuropathy, familial, 1, autosomal recessive. The following ACMG Tag(s) were applied: Absent from controls (or at extremely low frequency if recessive) in Exome Sequencing Project, 1000 Genomes Project, or Exome Aggregation Consortium (PM2); Multiple lines of computational evidence support a deleterious effect on the gene or gene product (PP3); Well-established functional studies show a deleterious effect (PS3).

OMIM
Classification: Pathogenic for VISCERAL NEUROPATHY, FAMILIAL, 1, AUTOSOMAL RECESSIVE. Last evaluated: 2021-08-02. Review status: no assertion criteria provided. Collection method: literature only. Allele origin: germline. Not counted in ClinVar's aggregate classification.

Literature cited by the submitters: PubMed 33497358 (cited by SIB Swiss Institute of Bioinformatics and OMIM).